The following is an entry in ClinVar:

ClinVar aggregate classification (germline): Likely benign. Review status: criteria provided, multiple submitters, no conflicts (2 of 4 stars). 3 submissions from 3 submitters: Likely benign (3). Last evaluated 2023-02-04.

Conditions:
Hereditary cancer-predisposing syndrome. Also called: Hereditary Cancer Syndrome; Neoplastic Syndromes, Hereditary; Tumor predisposition; Hereditary neoplastic syndrome. Identifiers: Orphanet 140162, MedGen C0027672, MeSH D009386, MONDO:0015356.

Allele frequency attached by ClinVar (database versions not stated): gnomAD exomes below 0.00001.
gnomAD v4.1: 1 of 1,613,830 alleles (0.000062%); highest among the groups gnomAD compares: Non-Finnish European, 0.000085%; no homozygotes.

Submissions (3):

Ambry Genetics
Classification: Likely benign for Hereditary cancer-predisposing syndrome. Last evaluated: 2023-02-04. Review status: criteria provided, single submitter. Criteria: Ambry Variant Classification Scheme 2023. Collection method: clinical testing. Allele origin: germline.

Labcorp Genetics (formerly Invitae), Labcorp
Classification: Likely benign. Last evaluated: 2022-07-27. Review status: criteria provided, single submitter. Criteria: Invitae Variant Classification Sherloc (09022015). Collection method: clinical testing. Allele origin: germline.

GeneDx
Classification: Likely benign. Last evaluated: 2017-08-28. Review status: criteria provided, single submitter. Criteria: GeneDx Variant Classification (06012015). Collection method: clinical testing. Allele origin: germline. Affected: yes.
Comment: This variant is considered likely benign or benign based on one or more of the following criteria: it is a conservative change, it occurs at a poorly conserved position in the protein, it is predicted to be benign by multiple in silico algorithms, and/or has population frequency not consistent with disease.

NM_006231.4(POLE):c.549C>A (p.Ala183=)

Gene: POLE (DNA polymerase epsilon, catalytic subunit; minus strand). Cytogenetic location: 12q24.33.
Variant type: single nucleotide variant.
Coding change: c.549C>A on transcript NM_006231.4 (MANE Select); coding-DNA position 549, C replaced by A.
Protein change: p.Ala183=; no amino-acid change (alanine 183 retained).
Molecular consequence: synonymous variant.
Genome position (GRCh38, 1-based): chr12:132,679,526, G>T on the plus strand (C>A on the coding strand, the complement: POLE is on the minus strand). VCF-style: chr12-132679526-G-T. GRCh37 (hg19) VCF-style: chr12-133256112-G-T.
Identifiers: ClinVar variation 511775 (VCV000511775.7), dbSNP rs1555230075, ClinGen allele CA482724559.
Genomic context (GRCh38, chr12:132,679,526, plus strand): 5'-CTGATGCTTTGCTCACAAGACCAAAGTTTACCTGGAAAGCAGAGCTGTGTACGCGTCGCT[G>T]GCGTGATCCTGCTCCCTGTTCTTCTTCACGGCAGGGGAGATCTCCTTCCTCACTTTGACA-3'
Protein context (NP_006222.2, residues 173-193): AVKKNREQDH[Ala183=]SDAYTALLSS